The following is an entry in ClinVar:

NM_001184.4(ATR):c.1274A>G (p.Asp425Gly)

Gene: ATR (ATR checkpoint kinase; minus strand). Cytogenetic location: 3q23.
Variant type: single nucleotide variant.
Coding change: c.1274A>G on transcript NM_001184.4 (MANE Select); coding-DNA position 1274, A replaced by G.
Protein change: p.Asp425Gly; replaces aspartic acid 425 with glycine.
Molecular consequence: missense variant.
Genome position (GRCh38, 1-based): chr3:142,561,318, T>C on the plus strand (A>G on the coding strand, the complement: ATR is on the minus strand). VCF-style: chr3-142561318-T-C. GRCh37 (hg19) VCF-style: chr3-142280160-T-C.
Other names: c.1274A>G, p.Asp425Gly (NM_001354579.2); short protein forms D425G.
Identifiers: ClinVar variation 1766161 (VCV001766161.2), dbSNP rs1302056164, ClinGen allele CA354823265.
Genomic context (GRCh38, chr3:142,561,318, plus strand): 5'-GGTGCTCTTTTAGAAGGGTTTAGAGACGAGCTGAGACGACGCCTTTTGGGTGATATTCCA[T>C]CACTATTACTGCTGAGGTTTTCCTGTTGAGTTTGGCATTGAATCTCCTCAATGATTTCCA-3'
Protein context (NP_001175.2, residues 415-435): TQQENLSSNS[Asp425Gly]GISPKRRRLS

ClinVar aggregate classification (germline): Uncertain significance (1 of 4 stars; one submission).

Conditions:
Inborn genetic diseases. Identifiers: MedGen C0950123, MeSH D030342.

Allele frequency attached by ClinVar (database versions not stated): gnomAD exomes below 0.00001; TOPMed below 0.00001; gnomAD 0.00001.
gnomAD v4.1: 3 of 1,614,002 alleles (0.00019%); highest among the groups gnomAD compares: Non-Finnish European, 0.00025%; no homozygotes.

Submission:

Ambry Genetics
Classification: Uncertain significance for Inborn genetic diseases. Last evaluated: 2021-08-28. Review status: criteria provided, single submitter. Criteria: Ambry Variant Classification Scheme 2023. Collection method: clinical testing. Allele origin: germline.
Comment: The p.D425G variant (also known as c.1274A>G), located in coding exon 5 of the ATR gene, results from an A to G substitution at nucleotide position 1274. The aspartic acid at codon 425 is replaced by glycine, an amino acid with similar properties. This amino acid position is conserved. In addition, this alteration is predicted to be tolerated by in silico analysis. Since supporting evidence is limited at this time, the clinical significance of this alteration remains unclear.